The following is an entry in ClinVar:

ClinVar aggregate classification (germline): Pathogenic (1 of 4 stars; one submission).

Conditions:
Arrhythmogenic right ventricular dysplasia 9 (ARVD9). Also called: Arrhythmogenic Right Ventricular Dysplasia/Cardiomyopathy 9; ARRHYTHMOGENIC RIGHT VENTRICULAR DYSPLASIA, FAMILIAL, 9. Identifiers: MedGen C1836906, MONDO:0012180, OMIM 609040.

Submission:

Labcorp Genetics (formerly Invitae), Labcorp
Classification: Pathogenic for Arrhythmogenic right ventricular dysplasia 9. Last evaluated: 2022-09-06. Review status: criteria provided, single submitter. Criteria: Invitae Variant Classification Sherloc (09022015). Collection method: clinical testing. Allele origin: germline.
Comment: This variant is not present in population databases (gnomAD no frequency). For these reasons, this variant has been classified as Pathogenic. This variant has not been reported in the literature in individuals affected with PKP2-related conditions. This sequence change creates a premature translational stop signal (p.Pro103Argfs*3) in the PKP2 gene. It is expected to result in an absent or disrupted protein product. Loss-of-function variants in PKP2 are known to be pathogenic (PMID: 15489853, 23911551).

Literature cited by the submitters: PubMed 15489853; PubMed 23911551.

NM_001005242.3(PKP2):c.308_309del (p.Pro103fs)

Gene: PKP2 (plakophilin 2; minus strand). Cytogenetic location: 12p11.21.
Variant type: Deletion.
Coding change: c.308_309del on transcript NM_001005242.3 (MANE Select); coding-DNA positions 308 to 309, 2 bases deleted (CT; older notation c.308_309delCT).
Protein change: p.Pro103fs; shifts the reading frame from proline 103.
Molecular consequence: frameshift variant.
Genome position (GRCh38, 1-based): chr12:32,878,947-32,878,948, AG deleted on the plus strand (CT on the coding strand, the reverse complement: PKP2 is on the minus strand). VCF-style (leftmost placement, unchanged base first): chr12-32878946-CAG-C. GRCh37 (hg19) VCF-style: chr12-33031880-CAG-C.
Other names: c.308_309delCT, p.Pro103Argfs (NM_001407155.1, NM_001407156.1, NM_001407157.1 and 1 more transcripts); c.-20_-19delCT (NM_001407158.1, NM_001407159.1, NM_001407160.1 and 1 more transcripts); c.308_309del, p.Pro103fs (NM_004572.4); short protein forms P103fs.
Identifiers: ClinVar variation 2131491 (VCV002131491.4), dbSNP rs1956960817, ClinGen allele CA1139768740.